The following is an entry in ClinVar:

NM_031475.3(ESPN):c.1835C>G (p.Ser612Trp)

Gene: ESPN (espin; plus strand). Cytogenetic location: 1p36.31.
Variant type: single nucleotide variant.
Coding change: c.1835C>G on transcript NM_031475.3 (MANE Select); coding-DNA position 1835, C replaced by G.
Protein change: p.Ser612Trp; replaces serine 612 with tryptophan.
Molecular consequence: missense variant.
Genome position (GRCh38, 1-based): chr1:6,449,011, C>G. VCF-style: chr1-6449011-C-G. GRCh37 (hg19) VCF-style: chr1-6509071-C-G.
Other names: c.1745C>G, p.Ser582Trp (NM_001367473.1, NM_001367474.1); short protein forms S582W, S612W.
Identifiers: ClinVar variation 3906483 (VCV003906483.1).
Genomic context (GRCh38, chr1:6,449,011, plus strand): 5'-CCAGGGAGCTGCCACCGCCGCCCCCACCGCCGCCGCCGCCCCTGCCGGAGGCCGCGAGTT[C>G]GCCACCGCCGGCCCCGCCTCTGCCCCTCGAGAGCGCTGGCCCTGGCTGCGGGCAGCGCCG-3'
Protein context (NP_113663.2, residues 602-622): PPPPLPEAAS[Ser612Trp]PPPAPPLPLE

ClinVar aggregate classification (germline): Uncertain significance (1 of 4 stars; one submission).

gnomAD v4.1: 1 of 1,459,154 alleles (0.000069%); highest among the groups gnomAD compares: Non-Finnish European, 0.00009%; no homozygotes.

Submission:

GeneDx
Classification: Uncertain significance. Last evaluated: 2024-12-17. Review status: criteria provided, single submitter. Criteria: GeneDx Variant Classification Process June 2021. Collection method: clinical testing. Allele origin: germline. Affected: yes.
Comment: Not observed at significant frequency in large population cohorts (gnomAD); In silico analysis supports that this missense variant has a deleterious effect on protein structure/function; Has not been previously published as pathogenic or benign to our knowledge